The following is an entry in ClinVar:

ClinVar aggregate classification (germline): Likely benign. Review status: criteria provided, single submitter (1 of 4 stars). 2 submissions from 2 submitters: Likely benign (1). 1 of the submissions does not count toward it. Last evaluated 2024-11-28.

Conditions:
SHOX-related disorder. Also called: SHOX-related condition.

Submissions (2):

Blueprint Genetics
Classification: Likely benign. Last evaluated: 2024-11-28. Review status: criteria provided, single submitter. Criteria: ACMG Guidelines, 2015. Collection method: clinical testing. Allele origin: germline.

PreventionGenetics, part of Exact Sciences
Classification: Likely benign for SHOX-related condition. Last evaluated: 2021-05-04. Review status: no assertion criteria provided. Collection method: clinical testing. Allele origin: germline. Not counted in ClinVar's aggregate classification.
Comment: This variant is classified as likely benign based on ACMG/AMP sequence variant interpretation guidelines (Richards et al. 2015 PMID: 25741868, with internal and published modifications).

NM_006883.2(SHOX):c.-646_-645insGTT

Gene: SHOX (SHOX homeobox; plus strand). Cytogenetic location: Xp22.33.
Variant type: Insertion.
Coding change: c.-646_-645insGTT on transcript NM_006883.2; 646 bases upstream of the start codon through 645 bases upstream of the start codon, GTT inserted.
Molecular consequence: 5 prime UTR variant.
Genome position: GRCh38 VCF-style: chrX-624387-T-TTTG. GRCh37 (hg19) VCF-style: chrX-585122-T-TTTG.
Identifiers: ClinVar variation 3036731 (VCV003036731.3), dbSNP rs200223988, ClinGen allele CA325616487.